The following is an entry in ClinVar:

NM_000038.6(APC):c.3325_3326del (p.Gly1109fs)

Gene: APC (APC regulator of Wnt signaling pathway; plus strand). Cytogenetic location: 5q22.2.
Variant type: Deletion.
Coding change: c.3325_3326del on transcript NM_000038.6 (MANE Select); coding-DNA positions 3325 to 3326, 2 bases deleted (GG; older notation c.3325_3326delGG).
Protein change: p.Gly1109fs; shifts the reading frame from glycine 1109.
Molecular consequence: frameshift variant. On other transcripts: non-coding transcript variant (2).
Genome position (GRCh38, 1-based): chr5:112,838,919-112,838,920, GG deleted. VCF-style (leftmost placement, unchanged base first): chr5-112838918-TGG-T. GRCh37 (hg19) VCF-style: chr5-112174615-TGG-T.
Other names: c.3325_3326del, p.Gly1109fs (NM_001127510.3, NM_001354895.2, NM_001407450.1); c.3271_3272del, p.Gly1091fs (NM_001127511.3); c.3379_3380del, p.Gly1127fs (NM_001354896.2, NM_001407447.1, NM_001407448.1 and 1 more transcripts); c.3355_3356del, p.Gly1119fs (NM_001354897.2); c.3250_3251del, p.Gly1084fs (NM_001354898.2); c.3241_3242del, p.Gly1081fs (NM_001354899.2); c.3202_3203del, p.Gly1068fs (NM_001354900.2); c.3148_3149del, p.Gly1050fs (NM_001354901.2, NM_001407453.1); and 11 more; short protein forms G1008fs, G1018fs, G1026fs, G1050fs, G1068fs, G1081fs, G1084fs, G1091fs.
Identifiers: ClinVar variation 2583930 (VCV002583930.1), dbSNP rs2533489812, ClinGen allele CA2582341508.

ClinVar aggregate classification (germline): Pathogenic (1 of 4 stars; one submission).

Conditions:
Familial adenomatous polyposis 1 (FAP1). Also called: FAMILIAL ADENOMATOUS POLYPOSIS 1, ATTENUATED; POLYPOSIS, ADENOMATOUS INTESTINAL. Identifiers: MedGen C2713442, MONDO:0021056, OMIM 175100. Disease mechanism: loss of function.

Submission:

Myriad Genetics, Inc.
Classification: Pathogenic for Familial adenomatous polyposis 1. Last evaluated: 2023-05-08. Review status: criteria provided, single submitter. Criteria: Myriad Autosomal Dominant, Autosomal Recessive and X-Linked Classification Criteria (2023). Collection method: clinical testing. Allele origin: unknown.
Comment: This variant is considered pathogenic. This variant creates a frameshift predicted to result in premature protein truncation.